The following is an entry in ClinVar:

ClinVar aggregate classification (germline): Uncertain significance (1 of 4 stars; one submission).

Submission:

Labcorp Genetics (formerly Invitae), Labcorp
Classification: Uncertain significance. Last evaluated: 2025-11-23. Review status: criteria provided, single submitter. Criteria: Invitae Variant Classification Sherloc (09022015). Collection method: clinical testing. Allele origin: germline.
Comment: This sequence change creates a premature translational stop signal (p.Lys150*) in the MCM5 gene. It is expected to result in an absent or disrupted protein product. However, the current clinical and genetic evidence is not sufficient to establish whether loss-of-function variants in MCM5 cause disease. This variant is not present in population databases (gnomAD no frequency). This variant has not been reported in the literature in individuals affected with MCM5-related conditions. Algorithms developed to predict the effect of sequence changes on RNA splicing suggest that this variant may disrupt the consensus splice site. In summary, the available evidence is currently insufficient to determine the role of this variant in disease. Therefore, it has been classified as a Variant of Uncertain Significance.

NM_006739.4(MCM5):c.448A>T (p.Lys150Ter)

Gene: MCM5 (minichromosome maintenance complex component 5; plus strand). Cytogenetic location: 22q12.3.
Variant type: single nucleotide variant.
Coding change: c.448A>T on transcript NM_006739.4 (MANE Select); coding-DNA position 448, A replaced by T.
Protein change: p.Lys150Ter; replaces lysine 150 with a stop codon.
Molecular consequence: nonsense.
Genome position (GRCh38, 1-based): chr22:35,406,577, A>T. VCF-style: chr22-35406577-A-T. GRCh37 (hg19) VCF-style: chr22-35802570-A-T.
Other names: short protein forms K150*.
Identifiers: ClinVar variation 4731390 (VCV004731390.1).